The following is an entry in ClinVar:

NM_000553.6(WRN):c.1367A>C (p.Asp456Ala)

Gene: WRN (WRN RecQ like helicase; plus strand). Cytogenetic location: 8p12.
Variant type: single nucleotide variant.
Coding change: c.1367A>C on transcript NM_000553.6 (MANE Select); coding-DNA position 1367, A replaced by C.
Protein change: p.Asp456Ala; replaces aspartic acid 456 with alanine.
Molecular consequence: missense variant.
Genome position (GRCh38, 1-based): chr8:31,085,182, A>C. VCF-style: chr8-31085182-A-C. GRCh37 (hg19) VCF-style: chr8-30942698-A-C.
Other names: short protein forms D456A.
Identifiers: ClinVar variation 458381 (VCV000458381.5), dbSNP rs368120966, ClinGen allele CA370923700.

ClinVar aggregate classification (germline): Uncertain significance. Review status: criteria provided, multiple submitters, no conflicts (2 of 4 stars). 2 submissions from 2 submitters: Uncertain significance (2). Last evaluated 2025-04-25.

Conditions:
Werner syndrome (WRN). Identifiers: Orphanet 902, MedGen C0043119, MONDO:0010196, OMIM 277700.
Inborn genetic diseases. Identifiers: MedGen C0950123, MeSH D030342.

gnomAD v4.1: 3 of 1,613,132 alleles (0.00019%); highest among the groups gnomAD compares: Admixed American, 0.0033%; no homozygotes.

Submissions (2):

Ambry Genetics
Classification: Uncertain significance for Inborn genetic diseases. Last evaluated: 2025-04-25. Review status: criteria provided, single submitter. Criteria: Ambry Variant Classification Scheme 2023. Collection method: clinical testing. Allele origin: germline.

Labcorp Genetics (formerly Invitae), Labcorp
Classification: Uncertain significance for Werner syndrome. Last evaluated: 2022-10-27. Review status: criteria provided, single submitter. Criteria: Invitae Variant Classification Sherloc (09022015). Collection method: clinical testing. Allele origin: germline.
Comment: This sequence change replaces aspartic acid, which is acidic and polar, with alanine, which is neutral and non-polar, at codon 456 of the WRN protein (p.Asp456Ala). This variant is present in population databases (no rsID available, gnomAD 0.003%). This variant has not been reported in the literature in individuals affected with WRN-related conditions. ClinVar contains an entry for this variant (Variation ID: 458381). Algorithms developed to predict the effect of missense changes on protein structure and function are either unavailable or do not agree on the potential impact of this missense change (SIFT: "Not Available"; PolyPhen-2: "Benign"; Align-GVGD: "Not Available"). In summary, the available evidence is currently insufficient to determine the role of this variant in disease. Therefore, it has been classified as a Variant of Uncertain Significance.